The following is an entry in ClinVar:

ClinVar aggregate classification (germline): Uncertain significance (1 of 4 stars; one submission).

Conditions:
Oligodontia-cancer predisposition syndrome. Also called: TOOTH AGENESIS-COLORECTAL CANCER SYNDROME. Identifiers: Orphanet 300576, MedGen C1837750, MONDO:0012075, OMIM 608615. Disease mechanism: loss of function.

Submission:

Labcorp Genetics (formerly Invitae), Labcorp
Classification: Uncertain significance for Oligodontia-cancer predisposition syndrome. Last evaluated: 2024-05-15. Review status: criteria provided, single submitter. Criteria: Invitae Variant Classification Sherloc (09022015). Collection method: clinical testing. Allele origin: germline.
Comment: This sequence change replaces asparagine, which is neutral and polar, with tyrosine, which is neutral and polar, at codon 739 of the AXIN2 protein (p.Asn739Tyr). This variant is not present in population databases (gnomAD no frequency). This variant has not been reported in the literature in individuals affected with AXIN2-related conditions. An algorithm developed to predict the effect of missense changes on protein structure and function (PolyPhen-2) suggests that this variant is likely to be disruptive. In summary, the available evidence is currently insufficient to determine the role of this variant in disease. Therefore, it has been classified as a Variant of Uncertain Significance.

NM_004655.4(AXIN2):c.2215A>T (p.Asn739Tyr)

Gene: AXIN2 (axin 2; minus strand). Cytogenetic location: 17q24.1.
Variant type: single nucleotide variant.
Coding change: c.2215A>T on transcript NM_004655.4 (MANE Select); coding-DNA position 2215, A replaced by T.
Protein change: p.Asn739Tyr; replaces asparagine 739 with tyrosine.
Molecular consequence: missense variant.
Genome position (GRCh38, 1-based): chr17:65,535,648, T>A on the plus strand (A>T on the coding strand, the complement: AXIN2 is on the minus strand). VCF-style: chr17-65535648-T-A. GRCh37 (hg19) VCF-style: chr17-63531766-T-A.
Other names: c.2020A>T, p.Asn674Tyr (NM_001363813.1); short protein forms N674Y, N739Y.
Identifiers: ClinVar variation 3653422 (VCV003653422.2).